The following is an entry in ClinVar:

NM_000179.3(MSH6):c.2546C>T (p.Thr849Ile)

Gene: MSH6 (mutS homolog 6; plus strand). Cytogenetic location: 2p16.3.
Variant type: single nucleotide variant.
Coding change: c.2546C>T on transcript NM_000179.3 (MANE Select); coding-DNA position 2546, C replaced by T.
Protein change: p.Thr849Ile; replaces threonine 849 with isoleucine.
Molecular consequence: missense variant.
Genome position (GRCh38, 1-based): chr2:47,800,529, C>T. VCF-style: chr2-47800529-C-T. GRCh37 (hg19) VCF-style: chr2-48027668-C-T.
Other names: c.2156C>T, p.Thr719Ile (NM_001281492.2); c.1640C>T, p.Thr547Ile (NM_001281493.2, NM_001281494.2); short protein forms T849I, T547I, T719I.
Identifiers: ClinVar variation 923665 (VCV000923665.10), dbSNP rs1328434414, ClinGen allele CA346754549.

ClinVar aggregate classification (germline): Uncertain significance. Review status: criteria provided, multiple submitters, no conflicts (2 of 4 stars). 4 submissions from 4 submitters: Uncertain significance (4). Last evaluated 2025-12-15.

Conditions:
Hereditary nonpolyposis colorectal neoplasms. Identifiers: MedGen C0009405, MeSH D003123.
Hereditary cancer-predisposing syndrome. Also called: Neoplastic Syndromes, Hereditary; Tumor predisposition; Hereditary Cancer Syndrome; Hereditary neoplastic syndrome. Identifiers: Orphanet 140162, MedGen C0027672, MeSH D009386, MONDO:0015356.
Lynch syndrome. Identifiers: Orphanet 144, MedGen C4552100, MONDO:0005835. Disease mechanism: loss of function.

Allele frequency attached by ClinVar (database versions not stated): TOPMed below 0.00001; gnomAD 0.00001.
gnomAD v4.1: 1 of 1,613,240 alleles (0.000062%); highest among the groups gnomAD compares: Non-Finnish European, 0.000085%; no homozygotes.

Submissions (4):

Labcorp Genetics (formerly Invitae), Labcorp
Classification: Uncertain significance for Hereditary nonpolyposis colorectal neoplasms. Last evaluated: 2025-12-15. Review status: criteria provided, single submitter. Criteria: Invitae Variant Classification Sherloc (09022015). Collection method: clinical testing. Allele origin: germline.
Comment: This sequence change replaces threonine, which is neutral and polar, with isoleucine, which is neutral and non-polar, at codon 849 of the MSH6 protein (p.Thr849Ile). This variant is not present in population databases (gnomAD no frequency). This variant has not been reported in the literature in individuals affected with MSH6-related conditions. ClinVar contains an entry for this variant (Variation ID: 923665). Invitae Evidence Modeling of protein sequence and biophysical properties (such as structural, functional, and spatial information, amino acid conservation, physicochemical variation, residue mobility, and thermodynamic stability) indicates that this missense variant is not expected to disrupt MSH6 protein function with a negative predictive value of 95%. In summary, the available evidence is currently insufficient to determine the role of this variant in disease. Therefore, it has been classified as a Variant of Uncertain Significance.

Color Diagnostics, LLC DBA Color Health
Classification: Uncertain significance for Hereditary cancer-predisposing syndrome. Last evaluated: 2023-12-04. Review status: criteria provided, single submitter. Criteria: ACMG Guidelines, 2015. Collection method: clinical testing. Allele origin: germline.
Comment: This missense variant replaces threonine with isoleucine at codon 849 of the MSH6 protein. Computational prediction suggests that this variant may not impact protein structure and function (internally defined REVEL score threshold <= 0.5, PMID: 27666373). To our knowledge, functional studies have not been reported for this variant. This variant has not been reported in individuals affected with MSH6-related disorders in the literature. This variant has not been identified in the general population by the Genome Aggregation Database (gnomAD). The available evidence is insufficient to determine the role of this variant in disease conclusively. Therefore, this variant is classified as a Variant of Uncertain Significance.

All of Us Research Program, National Institutes of Health
Classification: Uncertain significance for Lynch syndrome. Last evaluated: 2023-11-30. Review status: criteria provided, single submitter. Criteria: ACMG Guidelines, 2015. Collection method: clinical testing. Allele origin: germline. Inheritance: Autosomal dominant inheritance. Observed: 1 variant allele, 1 heterozygote.
Comment: This study involves interpretation of variants in research participants for the purpose of population health screening. Participant phenotype was not available at the time of variant classification. Additional details can be found in publication PMID: 35346344, PMCID: PMC8962531

Ambry Genetics
Classification: Uncertain significance for Hereditary cancer-predisposing syndrome. Last evaluated: 2021-07-16. Review status: criteria provided, single submitter. Criteria: Ambry Variant Classification Scheme 2023. Collection method: clinical testing. Allele origin: germline.
Comment: The p.T849I variant (also known as c.2546C>T), located in coding exon 4 of the MSH6 gene, results from a C to T substitution at nucleotide position 2546. The threonine at codon 849 is replaced by isoleucine, an amino acid with similar properties. This amino acid position is not well conserved in available vertebrate species. In addition, the in silico prediction for this alteration is inconclusive. Since supporting evidence is limited at this time, the clinical significance of this alteration remains unclear.